The following is an entry in ClinVar:

ClinVar aggregate classification (germline): Benign/Likely benign. Review status: criteria provided, multiple submitters, no conflicts (2 of 4 stars). 8 submissions from 8 submitters: Benign (1); Likely benign (5). 2 of the submissions do not count toward it. Last evaluated 2025-11-18.

Conditions:
Hereditary cancer-predisposing syndrome. Also called: Hereditary Cancer Syndrome; Hereditary neoplastic syndrome; Tumor predisposition; Neoplastic Syndromes, Hereditary. Identifiers: Orphanet 140162, MedGen C0027672, MeSH D009386, MONDO:0015356.
Familial cancer of breast. Also called: BREAST CANCER, FAMILIAL; hereditary breast carcinoma; Hereditary breast cancer. Identifiers: Orphanet 227535, MedGen C0346153, MONDO:0016419, OMIM 114480. Disease mechanism: loss of function.

Allele frequency attached by ClinVar (database versions not stated): ExAC 0.00001; gnomAD exomes 0.00001 and 0.00002; TOPMed 0.00001.
gnomAD v4.1: 33 of 1,613,972 alleles (0.002%); highest among the groups gnomAD compares: South Asian, 0.0044%; no homozygotes.

Submissions (8):

Labcorp Genetics (formerly Invitae), Labcorp
Classification: Likely benign for Familial cancer of breast. Last evaluated: 2025-11-18. Review status: criteria provided, single submitter. Criteria: Invitae Variant Classification Sherloc (09022015). Collection method: clinical testing. Allele origin: germline.

Center for Genomic Medicine, Rigshospitalet, Copenhagen University Hospital
Classification: Likely benign. Last evaluated: 2025-03-04. Review status: criteria provided, single submitter. Criteria: ACMG Guidelines, 2015. Collection method: clinical testing. Allele origin: germline.
Comment: Classification criteria: BP4, BP7

Myriad Genetics, Inc.
Classification: Benign for Familial cancer of breast. Last evaluated: 2023-03-31. Review status: criteria provided, single submitter. Criteria: Myriad Autosomal Dominant, Autosomal Recessive and X-Linked Classification Criteria (2023). Collection method: clinical testing. Allele origin: unknown.
Comment: This variant is considered benign. This variant is a silent/synonymous amino acid change and it is not expected to impact splicing.

GeneDx
Classification: Likely benign. Last evaluated: 2021-01-12. Review status: criteria provided, single submitter. Criteria: GeneDx Variant Classification Process June 2021. Collection method: clinical testing. Allele origin: germline. Affected: yes.
Comment: This variant is associated with the following publications: (PMID: 28779002, 21285249)

Ambry Genetics
Classification: Likely benign for Hereditary cancer-predisposing syndrome. Last evaluated: 2016-07-09. Review status: criteria provided, single submitter. Criteria: Ambry Variant Classification Scheme 2023. Collection method: clinical testing. Allele origin: germline.

Color Diagnostics, LLC DBA Color Health
Classification: Likely benign for Hereditary cancer-predisposing syndrome. Last evaluated: 2016-06-22. Review status: criteria provided, single submitter. Criteria: ACMG Guidelines, 2015. Collection method: clinical testing. Allele origin: germline.

Leiden Open Variation Database
Classification: Likely benign for Familial cancer of breast. Last evaluated: 2019-05-13. Review status: no assertion criteria provided. Collection method: curation. Allele origin: germline. Affected: yes. Not counted in ClinVar's aggregate classification.
Comment: Curators: Marc Tischkowitz, Arleen D. Auerbach. Submitter to LOVD: Marc Tischkowitz.

Counsyl
Classification: Likely benign for Familial cancer of breast. Last evaluated: 2016-09-13. Review status: no assertion criteria provided. Collection method: clinical testing. Allele origin: unknown. Not counted in ClinVar's aggregate classification.

Literature cited by the submitters: PubMed 21285249 (cited by 3 submitters).

NM_024675.4(PALB2):c.2859T>C (p.Asp953=)

Gene: PALB2 (partner and localizer of BRCA2; minus strand). Cytogenetic location: 16p12.2.
Variant type: single nucleotide variant.
Coding change: c.2859T>C on transcript NM_024675.4 (MANE Select); coding-DNA position 2859, T replaced by C.
Protein change: p.Asp953=; no amino-acid change (aspartic acid 953 retained).
Molecular consequence: synonymous variant.
Genome position (GRCh38, 1-based): chr16:23,623,106, A>G on the plus strand (T>C on the coding strand, the complement: PALB2 is on the minus strand). VCF-style: chr16-23623106-A-G. GRCh37 (hg19) VCF-style: chr16-23634427-A-G.
Identifiers: ClinVar variation 126692 (VCV000126692.24), dbSNP rs515726101, ClinGen allele CA269582.